The following is an entry in ClinVar:

NM_006623.4(PHGDH):c.1287C>T (p.Gly429=)

Gene: PHGDH (phosphoglycerate dehydrogenase; plus strand). Cytogenetic location: 1p12.
Variant type: single nucleotide variant.
Coding change: c.1287C>T on transcript NM_006623.4 (MANE Select); coding-DNA position 1287, C replaced by T.
Protein change: p.Gly429=; no amino-acid change (glycine 429 retained).
Molecular consequence: synonymous variant.
Genome position (GRCh38, 1-based): chr1:119,742,884, C>T. VCF-style: chr1-119742884-C-T. GRCh37 (hg19) VCF-style: chr1-120285507-C-T.
Identifiers: ClinVar variation 2169195 (VCV002169195.1), dbSNP rs749990293, ClinGen allele CA1037431.
Genomic context (GRCh38, chr1:119,742,884, plus strand): 5'-CCCTGCTGCACCAGGGGAGCAAGGCTTCGGGGAATGCCTCCTGGCCGTGGCCCTGGCAGG[C>T]GCCCCTTACCAGGCTGTGGGCTTGGTCCAAGGCACTACGCCTGTACTGCAGGGGCTCAAT-3'
Protein context (NP_006614.2, residues 419-439): GECLLAVALA[Gly429=]APYQAVGLVQ

ClinVar aggregate classification (germline): Uncertain significance (1 of 4 stars; one submission).

Conditions:
PHGDH deficiency. Identifiers: Orphanet 79351, MedGen C1866174, MONDO:0011152, OMIM 601815.

Allele frequency attached by ClinVar (database versions not stated): ExAC 0.00001; TOPMed 0.00002.
gnomAD v4.1: 22 of 1,613,882 alleles (0.0014%); highest among the groups gnomAD compares: Admixed American, 0.0033%; no homozygotes.

Submission:

Labcorp Genetics (formerly Invitae), Labcorp
Classification: Uncertain significance for PHGDH deficiency. Last evaluated: 2022-06-12. Review status: criteria provided, single submitter. Criteria: Invitae Variant Classification Sherloc (09022015). Collection method: clinical testing. Allele origin: germline.
Comment: This sequence change replaces glycine, which is neutral and non-polar, with glycine, which is neutral and non-polar, at codon 429 of the PHGDH protein (Silent). This variant is present in population databases (rs749990293, gnomAD 0.006%). This variant has not been reported in the literature in individuals affected with PHGDH-related conditions. Algorithms developed to predict the effect of sequence changes on RNA splicing suggest that this variant is not likely to affect RNA splicing. In summary, the available evidence is currently insufficient to determine the role of this variant in disease. Therefore, it has been classified as a Variant of Uncertain Significance.